The following is an entry in ClinVar:

ClinVar aggregate classification (germline): Uncertain significance (1 of 4 stars; one submission).

Conditions:
Immunodeficiency. Identifiers: MedGen C0021051, MONDO:0021094, HP:0002721.

Submission:

Labcorp Genetics (formerly Invitae), Labcorp
Classification: Uncertain significance for Immunodeficiency. Last evaluated: 2024-09-15. Review status: criteria provided, single submitter. Criteria: Invitae Variant Classification Sherloc (09022015). Collection method: clinical testing. Allele origin: germline.
Comment: This sequence change replaces isoleucine, which is neutral and non-polar, with valine, which is neutral and non-polar, at codon 1047 of the NFAT5 protein (p.Ile1047Val). This variant is not present in population databases (gnomAD no frequency). This variant has not been reported in the literature in individuals affected with NFAT5-related conditions. An algorithm developed to predict the effect of missense changes on protein structure and function (PolyPhen-2) suggests that this variant is likely to be tolerated. In summary, the available evidence is currently insufficient to determine the role of this variant in disease. Therefore, it has been classified as a Variant of Uncertain Significance.

NM_138713.4(NFAT5):c.3421A>G (p.Ile1141Val)

Gene: NFAT5 (nuclear factor of activated T cells 5; plus strand). Cytogenetic location: 16q22.1.
Variant type: single nucleotide variant.
Coding change: c.3421A>G on transcript NM_138713.4 (MANE Select); coding-DNA position 3421, A replaced by G.
Protein change: p.Ile1141Val; replaces isoleucine 1141 with valine.
Molecular consequence: missense variant.
Genome position (GRCh38, 1-based): chr16:69,693,246, A>G. VCF-style: chr16-69693246-A-G. GRCh37 (hg19) VCF-style: chr16-69727149-A-G.
Other names: c.3418A>G, p.Ile1140Val (NM_001113178.3); c.2746A>G, p.Ile916Val (NM_001367709.1); c.3367A>G, p.Ile1123Val (NM_006599.4); c.3139A>G, p.Ile1047Val (NM_138714.4, NM_173214.3, NM_173215.3); short protein forms I1140V, I1123V, I1141V, I916V, I1047V.
Identifiers: ClinVar variation 3670729 (VCV003670729.2).